The following is an entry in ClinVar:

ClinVar aggregate classification (germline): Likely benign (1 of 4 stars; one submission).

Allele frequency attached by ClinVar (database versions not stated): gnomAD exomes 0.00006; ExAC 0.00010; gnomAD 0.00043; TOPMed 0.00046; ESP Exome Variant Server 0.00092.
gnomAD v4.1: 156 of 1,614,122 alleles (0.0097%); highest among the groups gnomAD compares: African/African-American, 0.17%; no homozygotes.

Submission:

CeGaT Center for Human Genetics Tuebingen
Classification: Likely benign. Last evaluated: 2023-02-01. Review status: criteria provided, single submitter. Criteria: CeGaT Center For Human Genetics Tuebingen Variant Classification Criteria Version 2. Collection method: clinical testing. Allele origin: germline. Affected: yes. Observed: 1 variant allele.
Comment: AGO2: BP4, BP7

NM_012154.5(AGO2):c.1113G>A (p.Ser371=)

Gene: AGO2 (argonaute RISC catalytic component 2; minus strand). Cytogenetic location: 8q24.3.
Variant type: single nucleotide variant.
Coding change: c.1113G>A on transcript NM_012154.5 (MANE Select); coding-DNA position 1113, G replaced by A.
Protein change: p.Ser371=; no amino-acid change (serine 371 retained).
Molecular consequence: synonymous variant.
Genome position (GRCh38, 1-based): chr8:140,556,200, C>T on the plus strand (G>A on the coding strand, the complement: AGO2 is on the minus strand). VCF-style: chr8-140556200-C-T. GRCh37 (hg19) VCF-style: chr8-141566299-C-T.
Other names: c.1113G>A, p.Ser371= (NM_001164623.3).
Identifiers: ClinVar variation 2658863 (VCV002658863.24), dbSNP rs144381819, ClinGen allele CA4894511.